The following is an entry in ClinVar:

ClinVar aggregate classification (germline): Uncertain significance. Review status: criteria provided, multiple submitters, no conflicts (2 of 4 stars). 2 submissions from 2 submitters: Uncertain significance (2). Last evaluated 2023-03-10.

Allele frequency attached by ClinVar (database versions not stated): gnomAD 0.00002 and 0.00003; TOPMed 0.00003; gnomAD exomes 0.00007; ESP Exome Variant Server 0.00008; ExAC 0.00010; 1000 Genomes Project 30x 0.00016; 1000 Genomes Project 0.00020.

Submissions (2):

Labcorp Genetics (formerly Invitae), Labcorp
Classification: Uncertain significance. Last evaluated: 2023-03-10. Review status: criteria provided, single submitter. Criteria: Invitae Variant Classification Sherloc (09022015). Collection method: clinical testing. Allele origin: germline.
Comment: This variant has not been reported in the literature in individuals affected with DOCK6-related conditions. In summary, the available evidence is currently insufficient to determine the role of this variant in disease. Therefore, it has been classified as a Variant of Uncertain Significance. Advanced modeling of protein sequence and biophysical properties (such as structural, functional, and spatial information, amino acid conservation, physicochemical variation, residue mobility, and thermodynamic stability) performed at Invitae indicates that this missense variant is not expected to disrupt DOCK6 protein function. ClinVar contains an entry for this variant (Variation ID: 1384374). This variant is present in population databases (rs149370386, gnomAD 0.01%). This sequence change replaces glutamic acid, which is acidic and polar, with lysine, which is basic and polar, at codon 52 of the DOCK6 protein (p.Glu52Lys).

Breakthrough Genomics
Classification: Uncertain significance. Review status: criteria provided, single submitter. Criteria: ACMG Guidelines, 2015. Collection method: not provided. Allele origin: germline. Inheritance: Autosomal recessive inheritance. Affected: yes.

NM_020812.4(DOCK6):c.154G>A (p.Glu52Lys)

Gene: DOCK6 (dedicator of cytokinesis 6; minus strand). Cytogenetic location: 19p13.2.
Variant type: single nucleotide variant.
Coding change: c.154G>A on transcript NM_020812.4 (MANE Select); coding-DNA position 154, G replaced by A.
Protein change: p.Glu52Lys; replaces glutamic acid 52 with lysine.
Molecular consequence: missense variant.
Genome position (GRCh38, 1-based): chr19:11,252,937, C>T on the plus strand (G>A on the coding strand, the complement: DOCK6 is on the minus strand). VCF-style: chr19-11252937-C-T. GRCh37 (hg19) VCF-style: chr19-11363613-C-T.
Other names: c.154G>A, p.Glu52Lys (NM_001367830.1); short protein forms E52K.
Identifiers: ClinVar variation 1384374 (VCV001384374.5), dbSNP rs149370386, ClinGen allele CA9208608.
Genomic context (GRCh38, chr19:11,252,937, plus strand): 5'-GGGGCCCGGGCTCAGCATCTGGTGGCCGGCTCAGAAGTACATCCTCAAAGTCCAGGGGCT[C>T]GACAACTTCAGTCAGTGGGACCTGGATTGGAGCAAAGTGGCTGTGATCGCACTACCTAGG-3'
Protein context (NP_065863.2, residues 42-62): SLGVPLTEVV[Glu52Lys]PLDFEDVLLS